The following is an entry in ClinVar:

NM_000075.4(CDK4):c.65A>C (p.Lys22Thr)

Gene: CDK4 (cyclin dependent kinase 4; minus strand). Cytogenetic location: 12q14.1.
Variant type: single nucleotide variant.
Coding change: c.65A>C on transcript NM_000075.4 (MANE Select); coding-DNA position 65, A replaced by C.
Protein change: p.Lys22Thr; replaces lysine 22 with threonine.
Molecular consequence: missense variant.
Genome position (GRCh38, 1-based): chr12:57,751,653, T>G on the plus strand (A>C on the coding strand, the complement: CDK4 is on the minus strand). VCF-style: chr12-57751653-T-G. GRCh37 (hg19) VCF-style: chr12-58145436-T-G.
Other names: short protein forms K22T.
Identifiers: ClinVar variation 3489498 (VCV003489498.1).

ClinVar aggregate classification (germline): Uncertain significance (1 of 4 stars; one submission).

Conditions:
Hereditary cancer-predisposing syndrome. Also called: Tumor predisposition; Neoplastic Syndromes, Hereditary; Hereditary Cancer Syndrome; Hereditary neoplastic syndrome. Identifiers: Orphanet 140162, MedGen C0027672, MeSH D009386, MONDO:0015356.

Submission:

Ambry Genetics
Classification: Uncertain significance for Hereditary cancer-predisposing syndrome. Last evaluated: 2024-09-05. Review status: criteria provided, single submitter. Criteria: Ambry Variant Classification Scheme 2023. Collection method: clinical testing. Allele origin: germline.
Comment: The p.K22T variant (also known as c.65A>C), located in coding exon 1 of the CDK4 gene, results from an A to C substitution at nucleotide position 65. The lysine at codon 22 is replaced by threonine, an amino acid with similar properties. This amino acid position is highly conserved in available vertebrate species. In addition, this alteration is predicted to be deleterious by in silico analysis. Based on the available evidence, the clinical significance of this variant remains unclear.